The following is an entry in ClinVar:

ClinVar aggregate classification (germline): Conflicting classifications of pathogenicity. Review status: criteria provided, conflicting classifications (1 of 4 stars). 3 submissions from 3 submitters: Uncertain significance (1); Likely benign (1). 1 of the submissions does not count toward it. Last evaluated 2025-12-16.

Conditions:
Cerebellar ataxia, impaired intellectual development, and dysequilibrium syndrome 1. Also called: Cerebellar ataxia, intellectual disability, and dysequilibrium syndrome 1; Cerebellar ataxia, mental retardation, and dysequilibrium syndrome 1; VLDLR Cerebellar Hypoplasia; Cerebellar hypoplasia and mental retardation with or without quadrupedal locomotion 1; CEREBELLAR ATAXIA AND MENTAL RETARDATION WITH OR WITHOUT QUADRUPEDAL LOCOMOTION 1; CEREBELLAR ATAXIA, CONGENITAL, AND MENTAL RETARDATION, AUTOSOMAL RECESSIVE. Identifiers: Orphanet 1766, MedGen C4551552, MONDO:0024542, OMIM 224050.
VLDLR-related disorder. Also called: VLDLR-related condition.

Allele frequency attached by ClinVar (database versions not stated): gnomAD exomes 0.00004; gnomAD 0.00007 and 0.00005; TOPMed 0.00006; ExAC 0.00007.
gnomAD v4.1: 66 of 1,614,000 alleles (0.0041%); highest among the groups gnomAD compares: South Asian, 0.025%; no homozygotes.

Submissions (3):

Labcorp Genetics (formerly Invitae), Labcorp
Classification: Likely benign. Last evaluated: 2025-12-16. Review status: criteria provided, single submitter. Criteria: Invitae Variant Classification Sherloc (09022015). Collection method: clinical testing. Allele origin: germline.

Illumina Laboratory Services, Illumina
Classification: Uncertain significance for Cerebellar ataxia, impaired intellectual development, and dysequilibrium syndrome 1. Last evaluated: 2018-01-13. Review status: criteria provided, single submitter. Criteria: ICSL Variant Classification Criteria 13 December 2019. Collection method: clinical testing. Allele origin: germline.

PreventionGenetics, part of Exact Sciences
Classification: Likely benign for VLDLR-related condition. Last evaluated: 2022-11-10. Review status: no assertion criteria provided. Collection method: clinical testing. Allele origin: germline. Not counted in ClinVar's aggregate classification.
Comment: This variant is classified as likely benign based on ACMG/AMP sequence variant interpretation guidelines (Richards et al. 2015 PMID: 25741868, with internal and published modifications).

NM_003383.5(VLDLR):c.921C>T (p.Ser307=)

Gene: VLDLR (very low density lipoprotein receptor; plus strand). Cytogenetic location: 9p24.2.
Variant type: single nucleotide variant.
Coding change: c.921C>T on transcript NM_003383.5 (MANE Select); coding-DNA position 921, C replaced by T.
Protein change: p.Ser307=; no amino-acid change (serine 307 retained).
Molecular consequence: synonymous variant.
Genome position (GRCh38, 1-based): chr9:2,643,728, C>T. VCF-style: chr9-2643728-C-T. GRCh37 (hg19) VCF-style: chr9-2643728-C-T.
Other names: c.921C>T, p.Ser307= (NM_001018056.3); c.798C>T, p.Ser266= (NM_001322225.2, NM_001322226.2); c.921C>T (NM_003383.4).
Identifiers: ClinVar variation 913652 (VCV000913652.9), dbSNP rs777240049, ClinGen allele CA4964666.